The following is an entry in ClinVar:

ClinVar aggregate classification (germline): Conflicting classifications of pathogenicity. Review status: criteria provided, conflicting classifications (1 of 4 stars). 4 submissions from 4 submitters: Uncertain significance (3); Benign (1). Last evaluated 2025-10-07.

Conditions:
Maturity-onset diabetes of the young type 6 (MODY6). Identifiers: Orphanet 552, MedGen C1853371, MONDO:0011668, OMIM 606394.
Type 2 diabetes mellitus. Also called: Type II diabetes mellitus. Identifiers: MedGen C0011860, MeSH D003924, MONDO:0005148, OMIM 125853, HP:0005978.

Allele frequency attached by ClinVar (database versions not stated): gnomAD 0.00002 and 0.00007; gnomAD exomes 0.00003 and 0.00012; TOPMed 0.00005; ExAC 0.00012; 1000 Genomes Project 30x 0.00094; 1000 Genomes Project 0.00100.

Submissions (4):

Labcorp Genetics (formerly Invitae), Labcorp
Classification: Uncertain significance. Last evaluated: 2025-10-07. Review status: criteria provided, single submitter. Criteria: Invitae Variant Classification Sherloc (09022015). Collection method: clinical testing. Allele origin: germline.
Comment: This sequence change replaces glycine, which is neutral and non-polar, with arginine, which is basic and polar, at codon 12 of the NEUROD1 protein (p.Gly12Arg). This variant is present in population databases (rs556400603, gnomAD 0.2%). This missense change has been observed in individual(s) with autosomal dominant maturity onset diabetes of the young (PMID: 16321269). ClinVar contains an entry for this variant (Variation ID: 899007). Invitae Evidence Modeling of protein sequence and biophysical properties (such as structural, functional, and spatial information, amino acid conservation, physicochemical variation, residue mobility, and thermodynamic stability) indicates that this missense variant is not expected to disrupt NEUROD1 protein function with a negative predictive value of 80%. In summary, the available evidence is currently insufficient to determine the role of this variant in disease. Therefore, it has been classified as a Variant of Uncertain Significance.

ARUP Laboratories, Molecular Genetics and Genomics, ARUP Laboratories
Classification: Uncertain significance. Last evaluated: 2024-09-30. Review status: criteria provided, single submitter. Criteria: ARUP Molecular Germline Variant Investigation Process 2024. Collection method: clinical testing. Allele origin: germline.
Comment: The NEUROD1 c.34G>C; p.Gly12Arg variant (rs556400603, ClinVar Variation ID: 899007) is reported in the literature in individuals affected with familial type 2 diabetes (Han 2005). This variant is also found in the East Asian population with an allele frequency of 0.16% (29/18394 alleles) in the Genome Aggregation Database (v2.1.1). Computational analyses are uncertain whether this variant is neutral or deleterious (REVEL: 0.505). Due to limited information, the clinical significance of this variant is uncertain at this time. References: Han XY et al. Contribution of MODY6 gene in the pathogenesis of familial type 2 diabetes in Chinese population. Zhonghua Yi Xue Za Zhi. 2005 Sep 14;85(35):2463-7. Chinese. PMID: 16321269.

Fulgent Genetics
Classification: Uncertain significance for Type 2 diabetes mellitus; Maturity-onset diabetes of the young type 6. Last evaluated: 2024-04-26. Review status: criteria provided, single submitter. Criteria: ACMG Guidelines, 2015. Collection method: clinical testing. Allele origin: germline.

Illumina Laboratory Services, Illumina
Classification: Benign for Maturity-onset diabetes of the young type 6. Last evaluated: 2017-04-27. Review status: criteria provided, single submitter. Criteria: ICSL Variant Classification Criteria 13 December 2019. Collection method: clinical testing. Allele origin: germline.
Comment: This variant was observed as part of a predisposition screen in an ostensibly healthy population. A literature search was performed for the gene, cDNA change, and amino acid change (where applicable). Publications were found based on this search. The evidence from the literature, in combination with allele frequency data from public databases where available, was sufficient to rule this variant out of causing disease. Therefore, this variant is classified as benign.

Literature cited by the submitters: PubMed 16321269 (cited by Labcorp Genetics (formerly Invitae), Labcorp and Illumina Laboratory Services, Illumina).

NM_002500.5(NEUROD1):c.34G>C (p.Gly12Arg)

Gene: NEUROD1 (neuronal differentiation 1; minus strand). Cytogenetic location: 2q31.3.
Variant type: single nucleotide variant.
Coding change: c.34G>C on transcript NM_002500.5 (MANE Select); coding-DNA position 34, G replaced by C.
Protein change: p.Gly12Arg; replaces glycine 12 with arginine.
Molecular consequence: missense variant.
Genome position (GRCh38, 1-based): chr2:181,678,827, C>G on the plus strand (G>C on the coding strand, the complement: NEUROD1 is on the minus strand). VCF-style: chr2-181678827-C-G. GRCh37 (hg19) VCF-style: chr2-182543554-C-G.
Other names: short protein forms G12R.
Identifiers: ClinVar variation 899007 (VCV000899007.13), dbSNP rs556400603, ClinGen allele CA2011200.
Genomic context (GRCh38, chr2:181,678,827, plus strand): 5'-CGTCCTGAGAACTGAGACACTCGTCTGTCCAGCTTGGAGGACCTTGGGGCTGAGGCTCGC[C>G]CATCAGCCCACTCTCGCTGTACGATTTGGTCATGTTTCGATTTCCTACATTCAACAAGGG-3'
Protein context (NP_002491.3, residues 2-22): TKSYSESGLM[Gly12Arg]EPQPQGPPSW